The following is an entry in ClinVar:

NM_005751.5(AKAP9):c.11644C>T (p.Arg3882Trp)

Gene: AKAP9 (A-kinase anchoring protein 9; plus strand). Cytogenetic location: 7q21.2.
Variant type: single nucleotide variant.
Coding change: c.11644C>T on transcript NM_005751.5 (MANE Select); coding-DNA position 11644, C replaced by T.
Protein change: p.Arg3882Trp; replaces arginine 3882 with tryptophan.
Molecular consequence: missense variant.
Genome position (GRCh38, 1-based): chr7:92,108,591, C>T. VCF-style: chr7-92108591-C-T. GRCh37 (hg19) VCF-style: chr7-91737905-C-T.
Other names: c.6289C>T, p.Arg2097Trp (NM_001379277.1); c.11620C>T, p.Arg3874Trp (NM_147185.3); short protein forms R2097W, R3874W, R3882W.
Identifiers: ClinVar variation 1416678 (VCV001416678.8), dbSNP rs370539725, ClinGen allele CA4338243.

ClinVar aggregate classification (germline): Uncertain significance (1 of 4 stars; one submission).

Conditions:
Long QT syndrome (LQTS). Identifiers: MedGen C0023976, MeSH D008133, MONDO:0002442. Disease mechanism: loss of function. Inheritance: Various modes of inheritance.

Allele frequency attached by ClinVar (database versions not stated): gnomAD 0.00001 and 0.00002; gnomAD exomes 0.00001; TOPMed 0.00002; ExAC 0.00003; ESP Exome Variant Server 0.00008.
gnomAD v4.1: 14 of 1,614,052 alleles (0.00087%); highest among the groups gnomAD compares: South Asian, 0.0011%; no homozygotes.

Submission:

Labcorp Genetics (formerly Invitae), Labcorp
Classification: Uncertain significance for Long QT syndrome. Last evaluated: 2024-12-20. Review status: criteria provided, single submitter. Criteria: Invitae Variant Classification Sherloc (09022015). Collection method: clinical testing. Allele origin: germline.
Comment: This sequence change replaces arginine, which is basic and polar, with tryptophan, which is neutral and slightly polar, at codon 3882 of the AKAP9 protein (p.Arg3882Trp). This variant is present in population databases (rs370539725, gnomAD 0.007%). This variant has not been reported in the literature in individuals affected with AKAP9-related conditions. ClinVar contains an entry for this variant (Variation ID: 1416678). An algorithm developed to predict the effect of missense changes on protein structure and function (PolyPhen-2) suggests that this variant is likely to be disruptive. In summary, the available evidence is currently insufficient to determine the role of this variant in disease. Therefore, it has been classified as a Variant of Uncertain Significance.